The following is an entry in ClinVar:

ClinVar aggregate classification (germline): Benign/Likely benign. Review status: criteria provided, multiple submitters, no conflicts (2 of 4 stars). 2 submissions from 2 submitters: Benign (1); Likely benign (1). Last evaluated 2026-09-01.

Allele frequency attached by ClinVar (database versions not stated): 1000 Genomes Project 0.00799; 1000 Genomes Project 30x 0.00859; gnomAD 0.00876; TOPMed 0.01128.
gnomAD v4.1: 1,772 of 152,280 alleles (1.2%); highest among the groups gnomAD compares: Middle Eastern, 3.1%; 16 homozygotes.

Submissions (2):

CeGaT Center for Human Genetics Tuebingen
Classification: Benign. Last evaluated: 2026-09-01. Review status: criteria provided, single submitter. Criteria: CeGaT Center For Human Genetics Tuebingen Variant Classification Criteria Version 2. Collection method: clinical testing. Allele origin: germline. Affected: yes. Observed: 20 variant alleles.
Comment: BARD1: BS1, BS2

GeneDx
Classification: Likely benign. Last evaluated: 2018-06-18. Review status: criteria provided, single submitter. Criteria: GeneDx Variant Classification (06012015). Collection method: clinical testing. Allele origin: germline. Affected: yes.
Comment: This variant is considered likely benign or benign based on one or more of the following criteria: it is a conservative change, it occurs at a poorly conserved position in the protein, it is predicted to be benign by multiple in silico algorithms, and/or has population frequency not consistent with disease.

NM_000465.4(BARD1):c.1315-168C>T

Gene: BARD1 (BRCA1 associated RING domain 1; minus strand). Cytogenetic location: 2q35.
Variant type: single nucleotide variant.
Coding change: c.1315-168C>T on transcript NM_000465.4 (MANE Select); 168 bases into the intron before coding-DNA position 1315, C replaced by T.
Molecular consequence: intron variant.
Genome position (GRCh38, 1-based): chr2:214,769,480, G>A on the plus strand (C>T on the coding strand, the complement: BARD1 is on the minus strand). VCF-style: chr2-214769480-G-A. GRCh37 (hg19) VCF-style: chr2-215634204-G-A.
Other names: c.159-16925C>T (NM_001282548.2); c.1258-168C>T (NM_001282543.2); c.216-16925C>T (NM_001282545.2); c.364+22817C>T (NM_001282549.2).
Identifiers: ClinVar variation 679738 (VCV000679738.9), dbSNP rs147670282, ClinGen allele CA11307220.